The following is an entry in ClinVar:

ClinVar aggregate classification (germline): Uncertain significance (1 of 4 stars; one submission).

Allele frequency attached by ClinVar (database versions not stated): gnomAD exomes below 0.00001.
gnomAD v4.1: 1 of 1,605,870 alleles (0.000062%); highest among the groups gnomAD compares: Non-Finnish European, 0.000085%; no homozygotes.

Submission:

Labcorp Genetics (formerly Invitae), Labcorp
Classification: Uncertain significance. Last evaluated: 2020-03-26. Review status: criteria provided, single submitter. Criteria: Invitae Variant Classification Sherloc (09022015). Collection method: clinical testing. Allele origin: germline.
Comment: Nucleotide substitutions within the consensus splice site are a relatively common cause of aberrant splicing (PMID: 17576681, 9536098). Algorithms developed to predict the effect of sequence changes on RNA splicing suggest that this variant is not likely to affect RNA splicing, but this prediction has not been confirmed by published transcriptional studies. This variant has not been reported in the literature in individuals with CTNNA1-related conditions. This variant is not present in population databases (ExAC no frequency). This sequence change falls in intron 9 of the CTNNA1 gene. It does not directly change the encoded amino acid sequence of the CTNNA1 protein, but it affects a nucleotide within the consensus splice site of the intron. In summary, the available evidence is currently insufficient to determine the role of this variant in disease. Therefore, it has been classified as a Variant of Uncertain Significance.

Literature cited by the submitters: PubMed 17576681; PubMed 9536098.

NM_001903.5(CTNNA1):c.1296+4A>G

Gene: CTNNA1 (catenin alpha 1; plus strand). Cytogenetic location: 5q31.2.
Variant type: single nucleotide variant.
Coding change: c.1296+4A>G on transcript NM_001903.5 (MANE Select); 4 bases into the intron after coding-DNA position 1296, A replaced by G.
Molecular consequence: intron variant.
Genome position (GRCh38, 1-based): chr5:138,887,646, A>G. VCF-style: chr5-138887646-A-G. GRCh37 (hg19) VCF-style: chr5-138223335-A-G.
Other names: c.1296+4A>G (NM_001323982.2, NM_001323984.2, NM_001290307.3 and 3 more transcripts); c.927+4A>G (NM_001290310.3); c.987+4A>G (NM_001290309.3); c.186+4A>G (NM_001323996.1, NM_001323993.1, NM_001324005.1 and 18 more transcripts); c.-212+4A>G (NM_001324007.1, NM_001324009.1, NM_001324006.1 and 1 more transcripts); c.-87+4A>G (NM_001324013.1); c.-58+12049A>G (NM_001324012.1); c.-61+12049A>G (NM_001324010.1).
Identifiers: ClinVar variation 1047828 (VCV001047828.6), dbSNP rs1754367152, ClinGen allele CA1586049050.